The following is an entry in ClinVar:

NM_014855.3(AP5Z1):c.1601C>T (p.Ala534Val)

Gene: AP5Z1 (adaptor related protein complex 5 subunit zeta 1; plus strand). Cytogenetic location: 7p22.1.
Variant type: single nucleotide variant.
Coding change: c.1601C>T on transcript NM_014855.3 (MANE Select); coding-DNA position 1601, C replaced by T.
Protein change: p.Ala534Val; replaces alanine 534 with valine.
Molecular consequence: missense variant. On other transcripts: non-coding transcript variant (1).
Genome position (GRCh38, 1-based): chr7:4,788,845, C>T. VCF-style: chr7-4788845-C-T. GRCh37 (hg19) VCF-style: chr7-4828476-C-T.
Other names: c.1601C>T, p.Ala534Val (LRG_1247t1); c.1133C>T, p.Ala378Val (NM_001364858.1); short protein forms A534V, A378V.
Identifiers: ClinVar variation 446847 (VCV000446847.14), dbSNP rs764332870, ClinGen allele CA4137936.

ClinVar aggregate classification (germline): Conflicting classifications of pathogenicity. Review status: criteria provided, conflicting classifications (1 of 4 stars). 7 submissions from 7 submitters: Uncertain significance (6); Likely benign (1). Last evaluated 2026-06-11.

Conditions:
Hereditary spastic paraplegia 48. Also called: Spastic paraplegia 48; SPASTIC PARAPLEGIA 48, AUTOSOMAL RECESSIVE. Identifiers: Orphanet 306511, MedGen C3150901, MONDO:0013342, OMIM 613647.
AP5Z1-related disorder. Also called: AP5Z1-related condition.
Inborn genetic diseases. Identifiers: MedGen C0950123, MeSH D030342.

Allele frequency attached by ClinVar (database versions not stated): gnomAD exomes 0.00005; ExAC 0.00008; gnomAD 0.00014 and 0.00016; TOPMed 0.00036.
gnomAD v4.1: 91 of 1,604,376 alleles (0.0057%); highest among the groups gnomAD compares: East Asian, 0.04%; no homozygotes.

Submissions (7):

Women's Health and Genetics/Laboratory Corporation of America, LabCorp
Classification: Uncertain significance. Last evaluated: 2026-06-11. Review status: criteria provided, single submitter. Criteria: LabCorp Variant Classification Summary - May 2015. Collection method: clinical testing. Allele origin: germline.
Comment: Variant summary: AP5Z1 c.1601C>T (p.Ala534Val) results in a non-conservative amino acid change in the encoded protein sequence. Algorithms developed to predict the effect of missense changes on protein structure and function are either unavailable or do not agree on the potential impact of this missense change. The variant allele was found at a frequency of 4.7e-05 in 232524 control chromosomes. This frequency is not significantly higher than estimated for disease-causing variants in AP5Z1, allowing no conclusion about variant significance. To our knowledge, no occurrence of c.1601C>T in individuals affected with AP5Z1-related conditions and no experimental evidence demonstrating its impact on protein function have been reported. ClinVar contains an entry for this variant (Variation ID: 446847). Based on the evidence outlined above, the variant was classified as uncertain significance.

Labcorp Genetics (formerly Invitae), Labcorp
Classification: Uncertain significance for Hereditary spastic paraplegia 48. Last evaluated: 2026-01-05. Review status: criteria provided, single submitter. Criteria: Invitae Variant Classification Sherloc (09022015). Collection method: clinical testing. Allele origin: germline.
Comment: This sequence change replaces alanine, which is neutral and non-polar, with valine, which is neutral and non-polar, at codon 534 of the AP5Z1 protein (p.Ala534Val). This variant is present in population databases (rs764332870, gnomAD 0.03%). This variant has not been reported in the literature in individuals affected with AP5Z1-related conditions. ClinVar contains an entry for this variant (Variation ID: 446847). Invitae Evidence Modeling of protein sequence and biophysical properties (such as structural, functional, and spatial information, amino acid conservation, physicochemical variation, residue mobility, and thermodynamic stability) indicates that this missense variant is not expected to disrupt AP5Z1 protein function with a negative predictive value of 80%. In summary, the available evidence is currently insufficient to determine the role of this variant in disease. Therefore, it has been classified as a Variant of Uncertain Significance.

PreventionGenetics, part of Exact Sciences
Classification: Uncertain significance for AP5Z1-related condition. Last evaluated: 2025-11-13. Review status: criteria provided, single submitter. Criteria: ACMG Guidelines, 2015. Collection method: clinical testing. Allele origin: germline.
Comment: The AP5Z1 c.1601C>T variant is predicted to result in the amino acid substitution p.Ala534Val. To our knowledge, this variant has not been reported in the literature. This variant is reported in 0.026% of alleles in individuals of East Asian descent in gnomAD. At this time, the clinical significance of this variant is uncertain due to the absence of conclusive functional and genetic evidence.

Ambry Genetics
Classification: Likely benign for Inborn genetic diseases. Last evaluated: 2022-10-25. Review status: criteria provided, single submitter. Criteria: Ambry Variant Classification Scheme 2023. Collection method: clinical testing. Allele origin: germline.

GeneDx
Classification: Uncertain significance. Last evaluated: 2019-06-26. Review status: criteria provided, single submitter. Criteria: GeneDx Variant Classification Process June 2021. Collection method: clinical testing. Allele origin: germline. Affected: yes.
Comment: In silico analysis, which includes protein predictors and evolutionary conservation, supports that this variant does not alter protein structure/function; In-silico analysis, which includes splice predictors and evolutionary conservation, is inconclusive as to whether the variant alters gene splicing. In the absence of RNA/functional studies, the actual effect of this sequence change is unknown.; Has not been previously published as pathogenic or benign to our knowledge

Athena Diagnostics
Classification: Uncertain significance. Last evaluated: 2016-08-15. Review status: criteria provided, single submitter. Criteria: Athena Diagnostics Criteria. Collection method: clinical testing. Allele origin: germline.

Breakthrough Genomics
Classification: Uncertain significance. Review status: criteria provided, single submitter. Criteria: ACMG Guidelines, 2015. Collection method: not provided. Allele origin: germline. Inheritance: Autosomal recessive inheritance. Affected: yes.